The following is an entry in ClinVar:

NM_020207.7(ERCC6L2):c.2734del (p.Glu912fs)

Gene: ERCC6L2 (ERCC excision repair 6 like 2; plus strand). Cytogenetic location: 9q22.32.
Variant type: Deletion.
Coding change: c.2734del on transcript NM_020207.7 (MANE Select); coding-DNA position 2734, one base deleted (G; older notation c.2734delG).
Protein change: p.Glu912fs; shifts the reading frame from glutamic acid 912.
Molecular consequence: frameshift variant. On other transcripts: non-coding transcript variant (1).
Genome position (GRCh38, 1-based): chr9:95,972,485, G deleted. VCF-style (leftmost placement, unchanged base first): chr9-95972484-TG-T. GRCh37 (hg19) VCF-style: chr9-98734766-TG-T.
Other names: c.2734del, p.Glu912fs (NM_001375291.1, NM_001375292.1, NM_001375293.1 and 1 more transcripts); c.2734delG (NM_020207.7); short protein forms E912fs.
Identifiers: ClinVar variation 1174154 (VCV001174154.2), dbSNP rs2133080742, ClinGen allele CA2499220100.
Genomic context (GRCh38, chr9:95,972,484, plus strand): 5'-TTTACAGAATGTCACAGAATCAGAAGATAGTGATGTCATCTGTCCTACACAATACACAAC[TG>T]AGAGATTCCCCGACAATAGTATAAGGTTTAAGCCACCCTTGGAAGGATCTGAGGATTCTG-3'

ClinVar aggregate classification (germline): Likely pathogenic (1 of 4 stars; one submission).

Conditions:
Bone marrow hypocellularity. Identifiers: MedGen C1855710, HP:0005528.

Allele frequency attached by ClinVar (database versions not stated): gnomAD exomes below 0.00001.

Submission:

Bone Marrow Failure laboratory, Queen Mary University London
Classification: Likely pathogenic for Bone marrow hypocellularity. Last evaluated: 2021-05-11. Review status: criteria provided, single submitter. Criteria: ACMG Guidelines, 2015. Collection method: research. Allele origin: germline. Affected: yes.
Comment: The following ACMG/AMP criteria were used: PVS1, PM2 and PP3.

Literature cited by the submitters: PubMed 29987015.